The following is an entry in ClinVar:

NM_000059.4(BRCA2):c.4787del (p.Asn1596fs)

Gene: BRCA2 (BRCA2 DNA repair associated; plus strand). Cytogenetic location: 13q13.1.
Variant type: Deletion.
Coding change: c.4787del on transcript NM_000059.4 (MANE Select); coding-DNA position 4787, one base deleted (A; older notation c.4787delA).
Protein change: p.Asn1596fs; shifts the reading frame from asparagine 1596.
Molecular consequence: frameshift variant.
Genome position (GRCh38, 1-based): chr13:32,339,142, A deleted; the last of 2 consecutive A bases (chr13:32,339,141-32,339,142); deleting either gives the same sequence. VCF-style (leftmost placement, unchanged base first): chr13-32339140-GA-G. GRCh37 (hg19) VCF-style: chr13-32913277-GA-G.
Other names: c.4787delA (NM_000059.3); short protein forms N1596fs.
Identifiers: ClinVar variation 645189 (VCV000645189.12), dbSNP rs1593903422, ClinGen allele CA915948472.

ClinVar aggregate classification (germline): Pathogenic. Review status: criteria provided, single submitter (1 of 4 stars). 2 submissions from 2 submitters: Pathogenic (1). 1 of the submissions does not count toward it. Last evaluated 2018-09-28.

Conditions:
Hereditary breast ovarian cancer syndrome. Also called: Hereditary breast and ovarian cancer syndrome; Hereditary breast and/or ovarian cancer syndrome; Breast and ovarian cancer; BRCA1- and BRCA2-Associated Hereditary Breast and Ovarian Cancer; Hereditary breast and ovarian cancer; Hereditary breast and ovarian cancer syndrome (HBOC). Identifiers: Orphanet 145, MedGen C0677776, MeSH D061325, MONDO:0003582. Disease mechanism: loss of function.
Fanconi anemia complementation group D1. Also called: BRCA2-Related Fanconi Anemia. Identifiers: Orphanet 319462, MedGen C1838457, MONDO:0011584, OMIM 605724.

Submissions (2):

Labcorp Genetics (formerly Invitae), Labcorp
Classification: Pathogenic for Hereditary breast ovarian cancer syndrome. Last evaluated: 2018-09-28. Review status: criteria provided, single submitter. Criteria: Invitae Variant Classification Sherloc (09022015). Collection method: clinical testing. Allele origin: germline.
Comment: This variant is not present in population databases (ExAC no frequency). This sequence change creates a premature translational stop signal (p.Asn1596Ilefs*21) in the BRCA2 gene. It is expected to result in an absent or disrupted protein product. For these reasons, this variant has been classified as Pathogenic. Loss-of-function variants in BRCA2 are known to be pathogenic (PMID: 20104584). This variant has been observed in individuals affected with breast cancer (PMID: 28975465). This variant is also known as c.4786delA in the literature.

Biochemical Molecular Genetic Laboratory, King Abdulaziz Medical City
Classification: Pathogenic for Fanconi anemia complementation group D1. Last evaluated: 2020-02-05. Review status: no assertion criteria provided. Collection method: clinical testing. Allele origin: germline. Affected: yes. Not counted in ClinVar's aggregate classification.

Literature cited by the submitters: PubMed 20104584 (cited by Labcorp Genetics (formerly Invitae), Labcorp); PubMed 28975465 (cited by Labcorp Genetics (formerly Invitae), Labcorp).